The following is an entry in ClinVar:

NM_005357.4(LIPE):c.1252G>A (p.Ala418Thr)

Genes: LIPE (lipase E, hormone sensitive type; minus strand), LIPE-AS1 (LIPE antisense RNA 1; plus strand). Cytogenetic location: 19q13.2.
Variant type: single nucleotide variant.
Coding change: c.1252G>A on transcript NM_005357.4 (MANE Select); coding-DNA position 1252, G replaced by A.
Protein change: p.Ala418Thr; replaces alanine 418 with threonine.
Molecular consequence: missense variant. On other transcripts: 5 prime UTR variant (1), intron variant (1).
Genome position (GRCh38, 1-based): chr19:42,410,474, C>T on the plus strand (G>A on the coding strand, the complement: LIPE is on the minus strand). VCF-style: chr19-42410474-C-T. GRCh37 (hg19) VCF-style: chr19-42914626-C-T.
Other names: c.349G>A, p.Ala117Thr (NM_001416104.1, NM_001416103.1); c.487G>A, p.Ala163Thr (NM_001416105.1, NM_001416100.1, NM_001416101.1); c.382G>A, p.Ala128Thr (NM_001416106.1, NM_001416102.1); c.-548G>A (NM_001416108.1); c.61-2152G>A (NM_001416107.1); short protein forms A117T, A128T, A163T, A418T.
Identifiers: ClinVar variation 2650043 (VCV002650043.24), dbSNP rs200592126, ClinGen allele CA9477103.

ClinVar aggregate classification (germline): Likely benign (1 of 4 stars; one submission).

Allele frequency attached by ClinVar (database versions not stated): ESP Exome Variant Server 0.00008; TOPMed 0.00012; gnomAD 0.00013; gnomAD exomes 0.00024; ExAC 0.00027.
gnomAD v4.1: 377 of 1,613,946 alleles (0.023%); highest among the groups gnomAD compares: South Asian, 0.077%; 2 homozygotes.

Submission:

CeGaT Center for Human Genetics Tuebingen
Classification: Likely benign. Last evaluated: 2023-10-01. Review status: criteria provided, single submitter. Criteria: CeGaT Center For Human Genetics Tuebingen Variant Classification Criteria Version 2. Collection method: clinical testing. Allele origin: germline. Affected: yes. Observed: 1 variant allele.
Comment: LIPE: BP4